The following is an entry in ClinVar:

NM_022124.6(CDH23):c.4453dup (p.Leu1485fs)

Gene: CDH23 (cadherin related 23; plus strand). Cytogenetic location: 10q22.1.
Variant type: Duplication.
Coding change: c.4453dup on transcript NM_022124.6 (MANE Select); coding-DNA position 4453, one base duplicated (C; older notation c.4453dupC).
Protein change: p.Leu1485fs; shifts the reading frame from leucine 1485.
Molecular consequence: frameshift variant.
Genome position (GRCh38, 1-based): chr10:71,739,737, C duplicated; the last of 4 consecutive C bases (chr10:71,739,734-71,739,737); duplicating any one gives the same sequence. VCF-style (leftmost placement, unchanged base first): chr10-71739733-G-GC. GRCh37 (hg19) VCF-style: chr10-73499490-G-GC.
Other names: short protein forms L1485fs.
Identifiers: ClinVar variation 2116532 (VCV002116532.4), dbSNP rs776986046, ClinGen allele CA5545049.

ClinVar aggregate classification (germline): Pathogenic (1 of 4 stars; one submission).

Submission:

Labcorp Genetics (formerly Invitae), Labcorp
Classification: Pathogenic. Last evaluated: 2023-10-03. Review status: criteria provided, single submitter. Criteria: Invitae Variant Classification Sherloc (09022015). Collection method: clinical testing. Allele origin: germline.
Comment: This sequence change creates a premature translational stop signal (p.Leu1485Profs*17) in the CDH23 gene. It is expected to result in an absent or disrupted protein product. Loss-of-function variants in CDH23 are known to be pathogenic (PMID: 11138009, 21940737). This variant is present in population databases (rs776986046, gnomAD 0.002%). This variant has not been reported in the literature in individuals affected with CDH23-related conditions. ClinVar contains an entry for this variant (Variation ID: 2116532). For these reasons, this variant has been classified as Pathogenic.

Literature cited by the submitters: PubMed 11138009; PubMed 21940737.